The following is an entry in ClinVar:

NM_006231.4(POLE):c.5174-17G>A

Gene: POLE (DNA polymerase epsilon, catalytic subunit; minus strand). Cytogenetic location: 12q24.33.
Variant type: single nucleotide variant.
Coding change: c.5174-17G>A on transcript NM_006231.4 (MANE Select); 17 bases into the intron before coding-DNA position 5174, G replaced by A.
Molecular consequence: intron variant.
Genome position (GRCh38, 1-based): chr12:132,641,868, C>T on the plus strand (G>A on the coding strand, the complement: POLE is on the minus strand). VCF-style: chr12-132641868-C-T. GRCh37 (hg19) VCF-style: chr12-133218454-C-T.
Identifiers: ClinVar variation 511834 (VCV000511834.10), dbSNP rs201254290, ClinGen allele CA6892602.

ClinVar aggregate classification (germline): Benign/Likely benign. Review status: criteria provided, multiple submitters, no conflicts (2 of 4 stars). 3 submissions from 3 submitters: Benign (1); Likely benign (1). 1 of the submissions does not count toward it. Last evaluated 2026-01-26.

Conditions:
Colorectal cancer, susceptibility to, 12 (CRCS12). Also called: COLORECTAL CANCER, SUSCEPTIBILITY TO, ON CHROMOSOME 12q24. Identifiers: Orphanet 220460, MedGen C3554460, MONDO:0014038, OMIM 615083.

Allele frequency attached by ClinVar (database versions not stated): ExAC 0.00024; 1000 Genomes Project 0.00040; 1000 Genomes Project 30x 0.00062; gnomAD 0.00001 and 0.00007; TOPMed 0.00001; gnomAD exomes 0.00010 and 0.00019.
gnomAD v4.1: 149 of 1,597,264 alleles (0.0093%); highest among the groups gnomAD compares: South Asian, 0.16%; 4 homozygotes.

Submissions (3):

Labcorp Genetics (formerly Invitae), Labcorp
Classification: Benign. Last evaluated: 2026-01-26. Review status: criteria provided, single submitter. Criteria: Invitae Variant Classification Sherloc (09022015). Collection method: clinical testing. Allele origin: germline.

GeneDx
Classification: Likely benign. Last evaluated: 2017-08-30. Review status: criteria provided, single submitter. Criteria: GeneDx Variant Classification (06012015). Collection method: clinical testing. Allele origin: germline. Affected: yes.
Comment: This variant is considered likely benign or benign based on one or more of the following criteria: it is a conservative change, it occurs at a poorly conserved position in the protein, it is predicted to be benign by multiple in silico algorithms, and/or has population frequency not consistent with disease.

Counsyl
Classification: Likely benign for Colorectal cancer, susceptibility to, 12. Last evaluated: 2018-01-15. Review status: no assertion criteria provided. Collection method: clinical testing. Allele origin: unknown. Not counted in ClinVar's aggregate classification.